The following is an entry in ClinVar:

NM_000384.3(APOB):c.7991A>C (p.Asp2664Ala)

Gene: APOB (apolipoprotein B; minus strand). Cytogenetic location: 2p24.1.
Variant type: single nucleotide variant.
Coding change: c.7991A>C on transcript NM_000384.3 (MANE Select); coding-DNA position 7991, A replaced by C.
Protein change: p.Asp2664Ala; replaces aspartic acid 2664 with alanine.
Molecular consequence: missense variant.
Genome position (GRCh38, 1-based): chr2:21,008,877, T>G on the plus strand (A>C on the coding strand, the complement: APOB is on the minus strand). VCF-style: chr2-21008877-T-G. GRCh37 (hg19) VCF-style: chr2-21231749-T-G.
Other names: short protein forms D2664A.
Identifiers: ClinVar variation 5027224 (VCV005027224.1).

ClinVar aggregate classification (germline): Uncertain significance (1 of 4 stars; one submission).

Conditions:
Cardiovascular phenotype. Identifiers: MedGen CN230736.

Submission:

Ambry Genetics
Classification: Uncertain significance for Cardiovascular phenotype. Last evaluated: 2026-07-02. Review status: criteria provided, single submitter. Criteria: Ambry Variant Classification Scheme 2023. Collection method: clinical testing. Allele origin: germline.
Comment: The p.D2664A variant (also known as c.7991A>C), located in coding exon 26 of the APOB gene, results from an A to C substitution at nucleotide position 7991. The aspartic acid at codon 2664 is replaced by alanine, an amino acid with dissimilar properties. This amino acid position is conserved. In addition, this alteration is predicted to be tolerated by in silico analysis. Based on the available evidence, the clinical significance of this variant remains unclear.